The following is an entry in ClinVar:

ClinVar aggregate classification (germline): Uncertain significance (1 of 4 stars; one submission).

Conditions:
Inborn genetic diseases. Identifiers: MedGen C0950123, MeSH D030342.

Submission:

Ambry Genetics
Classification: Uncertain significance for Inborn genetic diseases. Last evaluated: 2025-10-29. Review status: criteria provided, single submitter. Criteria: Ambry Variant Classification Scheme 2023. Collection method: clinical testing. Allele origin: germline.
Comment: The c.742C>G (p.H248D) alteration is located in exon 7 (coding exon 7) of the CDK19 gene. This alteration results from a C to G substitution at nucleotide position 742, causing the histidine (H) at amino acid position 248 to be replaced by an aspartic acid (D). This variant was not reported in population-based cohorts in the Genome Aggregation Database (gnomAD). This amino acid position is highly conserved in available vertebrate species. This missense alteration is located in a region that has a low rate of benign missense variation (Lek, 2016; Firth, 2009). This alteration is predicted to be deleterious by in silico analysis. Based on insufficient or conflicting evidence, the clinical significance of this alteration remains unclear.

NM_015076.5(CDK19):c.742C>G (p.His248Asp)

Gene: CDK19 (cyclin dependent kinase 19; minus strand). Cytogenetic location: 6q21.
Variant type: single nucleotide variant.
Coding change: c.742C>G on transcript NM_015076.5 (MANE Select); coding-DNA position 742, C replaced by G.
Protein change: p.His248Asp; replaces histidine 248 with aspartic acid.
Molecular consequence: missense variant.
Genome position (GRCh38, 1-based): chr6:110,627,050, G>C on the plus strand (C>G on the coding strand, the complement: CDK19 is on the minus strand). VCF-style: chr6-110627050-G-C. GRCh37 (hg19) VCF-style: chr6-110948253-G-C.
Other names: c.610C>G, p.His204Asp (NM_001300960.2); c.562C>G, p.His188Asp (NM_001300963.2, NM_001300964.2); short protein forms H188D, H204D, H248D.
Identifiers: ClinVar variation 4610014 (VCV004610014.1).
Genomic context (GRCh38, chr6:110,627,050, plus strand): 5'-AAAATAAATTACCTGCAGGAAACCCCATGACACTAAATATCCGATCCAGTTGATCATGAT[G>C]AAAGGGATTGCTTGTTTTTATATCTTCCTGACGACAGTGAAAAATAGGTTCCGAAGTCAA-3'
Protein context (NP_055891.1, residues 238-258): QEDIKTSNPF[His248Asp]HDQLDRIFSV